The following is an entry in ClinVar:

NM_000051.4(ATM):c.6493T>C (p.Ser2165Pro)

Genes: ATM (ATM serine/threonine kinase; plus strand), C11orf65 (chromosome 11 open reading frame 65; minus strand). Cytogenetic location: 11q22.3.
Variant type: single nucleotide variant.
Coding change: c.6493T>C on transcript NM_000051.4 (MANE Select); coding-DNA position 6493, T replaced by C.
Protein change: p.Ser2165Pro; replaces serine 2165 with proline.
Molecular consequence: missense variant. On other transcripts: intron variant (2).
Genome position (GRCh38, 1-based): chr11:108,321,341, T>C. VCF-style: chr11-108321341-T-C. GRCh37 (hg19) VCF-style: chr11-108192068-T-C.
Other names: c.6493T>C, p.Ser2165Pro (NM_001351834.2); c.641-12270A>G (NM_001330368.2); c.*39-12270A>G (NM_001351110.2); short protein forms S2165P.
Identifiers: ClinVar variation 1753838 (VCV001753838.6), dbSNP rs1555117132, ClinGen allele CA382554030.

ClinVar aggregate classification (germline): Uncertain significance. Review status: criteria provided, multiple submitters, no conflicts (2 of 4 stars). 2 submissions from 2 submitters: Uncertain significance (2). Last evaluated 2023-04-03.

Conditions:
Ataxia-telangiectasia syndrome (AT). Also called: Ataxia telangiectasia (A-T); LOUIS-BAR SYNDROME; Cerebello-oculocutaneous telangiectasia; Immunodeficiency with ataxia telangiectasia; Ataxia-telangiectasia, complementation group D; AT, COMPLEMENTATION GROUP C. Identifiers: Orphanet 100, MedGen C0004135, MONDO:0008840, OMIM 208900.
Hereditary cancer-predisposing syndrome. Also called: Hereditary neoplastic syndrome; Neoplastic Syndromes, Hereditary; Tumor predisposition; Hereditary Cancer Syndrome. Identifiers: Orphanet 140162, MedGen C0027672, MeSH D009386, MONDO:0015356.

Allele frequency attached by ClinVar (database versions not stated): gnomAD exomes below 0.00001.
gnomAD v4.1: 1 of 1,614,100 alleles (0.000062%); highest among the groups gnomAD compares: Non-Finnish European, 0.000085%; no homozygotes.

Submissions (2):

Labcorp Genetics (formerly Invitae), Labcorp
Classification: Uncertain significance for Ataxia-telangiectasia syndrome. Last evaluated: 2023-04-03. Review status: criteria provided, single submitter. Criteria: Invitae Variant Classification Sherloc (09022015). Collection method: clinical testing. Allele origin: germline.
Comment: In summary, the available evidence is currently insufficient to determine the role of this variant in disease. Therefore, it has been classified as a Variant of Uncertain Significance. An algorithm developed to predict the effect of missense changes on protein structure and function (PolyPhen-2) suggests that this variant is likely to be disruptive. ClinVar contains an entry for this variant (Variation ID: 1753838). This variant has not been reported in the literature in individuals affected with ATM-related conditions. This variant is not present in population databases (gnomAD no frequency). This sequence change replaces serine, which is neutral and polar, with proline, which is neutral and non-polar, at codon 2165 of the ATM protein (p.Ser2165Pro).

Ambry Genetics
Classification: Uncertain significance for Hereditary cancer-predisposing syndrome. Last evaluated: 2022-05-05. Review status: criteria provided, single submitter. Criteria: Ambry Variant Classification Scheme 2023. Collection method: clinical testing. Allele origin: germline.
Comment: The p.S2165P variant (also known as c.6493T>C), located in coding exon 44 of the ATM gene, results from a T to C substitution at nucleotide position 6493. The serine at codon 2165 is replaced by proline, an amino acid with similar properties. This amino acid position is conserved. In addition, this alteration is predicted to be deleterious by in silico analysis. Since supporting evidence is limited at this time, the clinical significance of this alteration remains unclear.